The following is an entry in ClinVar:

NM_016816.4(OAS1):c.373C>T (p.Arg125Cys)

Gene: OAS1 (2'-5'-oligoadenylate synthetase 1; plus strand). Cytogenetic location: 12q24.13.
Variant type: single nucleotide variant.
Coding change: c.373C>T on transcript NM_016816.4 (MANE Select); coding-DNA position 373, C replaced by T.
Protein change: p.Arg125Cys; replaces arginine 125 with cysteine.
Molecular consequence: missense variant.
Genome position (GRCh38, 1-based): chr12:112,908,728, C>T. VCF-style: chr12-112908728-C-T. GRCh37 (hg19) VCF-style: chr12-113346533-C-T.
Other names: c.373C>T, p.Arg125Cys (NM_001032409.3, NM_001320151.2, NM_001406020.1 and 7 more transcripts); c.373C>T (NM_016816.2); short protein forms R125C.
Identifiers: ClinVar variation 1968706 (VCV001968706.7), dbSNP rs745982177, ClinGen allele CA6799747.

ClinVar aggregate classification (germline): Uncertain significance. Review status: criteria provided, multiple submitters, no conflicts (2 of 4 stars). 3 submissions from 3 submitters: Uncertain significance (3). Last evaluated 2025-08-31.

Allele frequency attached by ClinVar (database versions not stated): gnomAD exomes below 0.00001; ExAC 0.00001.
gnomAD v4.1: 8 of 1,614,160 alleles (0.0005%); highest among the groups gnomAD compares: South Asian, 0.0033%; no homozygotes.

Submissions (3):

Ambry Genetics
Classification: Uncertain significance. Last evaluated: 2025-08-31. Review status: criteria provided, single submitter. Criteria: Ambry Variant Classification Scheme 2023. Collection method: clinical testing. Allele origin: germline.

Women's Health and Genetics/Laboratory Corporation of America, LabCorp
Classification: Uncertain significance. Last evaluated: 2025-05-08. Review status: criteria provided, single submitter. Criteria: LabCorp Variant Classification Summary - May 2015. Collection method: clinical testing. Allele origin: germline.
Comment: Variant summary: OAS1 c.373C>T (p.Arg125Cys) results in a non-conservative amino acid change in the encoded protein sequence. Algorithms developed to predict the effect of missense changes on protein structure and function are either unavailable or do not agree on the potential impact of this missense change. The variant allele was found at a frequency of 4e-06 in 250940 control chromosomes. The available data on variant occurrences in the general population are insufficient to allow any conclusion about variant significance. To our knowledge, no occurrence of c.373C>T in individuals affected with Pulmonary alveolar proteinosis with hypogammaglobulinemia and no experimental evidence demonstrating its impact on protein function have been reported. ClinVar contains an entry for this variant (Variation ID: 1968706). Based on the evidence outlined above, the variant was classified as uncertain significance.

Labcorp Genetics (formerly Invitae), Labcorp
Classification: Uncertain significance. Last evaluated: 2024-01-26. Review status: criteria provided, single submitter. Criteria: Invitae Variant Classification Sherloc (09022015). Collection method: clinical testing. Allele origin: germline.
Comment: This sequence change replaces arginine, which is basic and polar, with cysteine, which is neutral and slightly polar, at codon 125 of the OAS1 protein (p.Arg125Cys). The frequency data for this variant in the population databases is considered unreliable, as metrics indicate poor data quality at this position in the gnomAD database. This variant has not been reported in the literature in individuals affected with OAS1-related conditions. ClinVar contains an entry for this variant (Variation ID: 1968706). An algorithm developed to predict the effect of missense changes on protein structure and function (PolyPhen-2) suggests that this variant is likely to be disruptive. In summary, the available evidence is currently insufficient to determine the role of this variant in disease. Therefore, it has been classified as a Variant of Uncertain Significance.